The following is an entry in ClinVar:

ClinVar aggregate classification (germline): Uncertain significance (1 of 4 stars; one submission).

gnomAD v4.1: 4 of 1,613,934 alleles (0.00025%); highest among the groups gnomAD compares: Admixed American, 0.0017%; no homozygotes.

Submission:

GeneDx
Classification: Uncertain significance. Last evaluated: 2026-02-12. Review status: criteria provided, single submitter. Criteria: GeneDx Variant Classification Process June 2021. Collection method: clinical testing. Allele origin: germline.
Comment: Reported with a second variant, phase unknown, in a patient with a reported diagnosis of infantile neuroaxonal dystrophy with brain iron accumulation in published literature (PMID: 16783378); Not observed at significant frequency in large population cohorts (gnomAD); In silico analysis suggests that this missense variant does not alter protein structure/function; This variant is associated with the following publications: (PMID: 16783378)

NM_003560.4(PLA2G6):c.1744G>T (p.Val582Leu)

Gene: PLA2G6 (phospholipase A2 group VI; minus strand). Cytogenetic location: 22q13.1.
Variant type: single nucleotide variant.
Coding change: c.1744G>T on transcript NM_003560.4 (MANE Select); coding-DNA position 1744, G replaced by T.
Protein change: p.Val582Leu; replaces valine 582 with leucine.
Molecular consequence: missense variant.
Genome position (GRCh38, 1-based): chr22:38,116,210, C>A on the plus strand (G>T on the coding strand, the complement: PLA2G6 is on the minus strand). VCF-style: chr22-38116210-C-A. GRCh37 (hg19) VCF-style: chr22-38512217-C-A.
Other names: c.1582G>T, p.Val528Leu (NM_001004426.3, NM_001199562.3, NM_001349865.2 and 1 more transcripts); c.1744G>T, p.Val582Leu (NM_001349864.2); c.1210G>T, p.Val404Leu (NM_001349867.2); c.1066G>T, p.Val356Leu (NM_001349868.2); c.1048G>T, p.Val350Leu (NM_001349869.2); short protein forms V350L, V356L, V404L, V528L, V582L.
Identifiers: ClinVar variation 4887826 (VCV004887826.1).